The following is an entry in ClinVar:

NM_001177316.2(SLC34A3):c.942G>A (p.Ala314=)

Gene: SLC34A3 (solute carrier family 34 member 3; plus strand). Cytogenetic location: 9q34.3.
Variant type: single nucleotide variant.
Coding change: c.942G>A on transcript NM_001177316.2 (MANE Select); coding-DNA position 942, G replaced by A.
Protein change: p.Ala314=; no amino-acid change (alanine 314 retained).
Molecular consequence: synonymous variant.
Genome position (GRCh38, 1-based): chr9:137,234,125, G>A. VCF-style: chr9-137234125-G-A. GRCh37 (hg19) VCF-style: chr9-140128577-G-A.
Other names: c.942G>A, p.Ala314= (NM_001177317.2, NM_080877.3).
Identifiers: ClinVar variation 4526549 (VCV004526549.1).

ClinVar aggregate classification (germline): Uncertain significance (1 of 4 stars; one submission).

Conditions:
Autosomal recessive hypophosphatemic bone disease (HHRH). Also called: HYPERCALCIURIC RICKETS; Hypophosphatemic rickets with hypercalciuria. Identifiers: Orphanet 157215, MedGen C1853271, MONDO:0009431, OMIM 241530.

gnomAD v4.1: 36 of 1,588,694 alleles (0.0023%); highest among the groups gnomAD compares: Middle Eastern, 0.019%; no homozygotes.

Submission:

MVZ Medizinische Genetik Mainz
Classification: Uncertain significance for Autosomal recessive hypophosphatemic bone disease. Last evaluated: 2025-10-13. Review status: criteria provided, single submitter. Criteria: UK Practice Guidelines For Variant Classification V4 01 2020. Collection method: clinical testing. Allele origin: germline. Inheritance: Autosomal dominant inheritance. Affected: yes. Observed: 1 variant allele.
Comment: ACMG Criteria: PM2_SUP,PP3